The following is an entry in ClinVar:

NM_000179.3(MSH6):c.753A>G (p.Ile251Met)

Gene: MSH6 (mutS homolog 6; plus strand). Cytogenetic location: 2p16.3.
Variant type: single nucleotide variant.
Coding change: c.753A>G on transcript NM_000179.3 (MANE Select); coding-DNA position 753, A replaced by G.
Protein change: p.Ile251Met; replaces isoleucine 251 with methionine.
Molecular consequence: missense variant. On other transcripts: 5 prime UTR variant (2).
Genome position (GRCh38, 1-based): chr2:47,798,736, A>G. VCF-style: chr2-47798736-A-G. GRCh37 (hg19) VCF-style: chr2-48025875-A-G.
Other names: c.363A>G, p.Ile121Met (NM_001281492.2); c.-154A>G (NM_001281493.2, NM_001281494.2); short protein forms I251M, I121M.
Identifiers: ClinVar variation 89565 (VCV000089565.25), dbSNP rs587779321, ClinGen allele CA016429.

ClinVar aggregate classification (germline): Conflicting classifications of pathogenicity. Review status: criteria provided, conflicting classifications (1 of 4 stars). 7 submissions from 7 submitters: Uncertain significance (6); Benign (1). Last evaluated 2025-07-20.

Conditions:
Lynch syndrome. Identifiers: Orphanet 144, MedGen C4552100, MONDO:0005835. Disease mechanism: loss of function.
Lynch syndrome 5 (LYNCH5). Also called: Colorectal cancer, hereditary nonpolyposis, type 5; Hereditary non-polyposis colorectal cancer, type 5. Identifiers: Orphanet 144, MedGen C1833477, MONDO:0013710, OMIM 614350. Disease mechanism: loss of function.
Hereditary cancer-predisposing syndrome. Also called: Tumor predisposition; Hereditary Cancer Syndrome; Hereditary neoplastic syndrome; Neoplastic Syndromes, Hereditary. Identifiers: Orphanet 140162, MedGen C0027672, MeSH D009386, MONDO:0015356.
Hereditary nonpolyposis colorectal neoplasms. Identifiers: MedGen C0009405, MeSH D003123.

Allele frequency attached by ClinVar (database versions not stated): gnomAD exomes below 0.00001; TOPMed below 0.00001; ExAC 0.00001.
gnomAD v4.1: 2 of 1,614,180 alleles (0.00012%); highest among the groups gnomAD compares: African/African-American, 0.0013%; no homozygotes.

Submissions (7):

Ambry Genetics
Classification: Uncertain significance for Hereditary cancer-predisposing syndrome. Last evaluated: 2025-07-20. Review status: criteria provided, single submitter. Criteria: Ambry Variant Classification Scheme 2023. Collection method: clinical testing. Allele origin: germline.
Comment: The p.I251M variant (also known as c.753A>G), located in coding exon 4 of the MSH6 gene, results from an A to G substitution at nucleotide position 753. The isoleucine at codon 251 is replaced by methionine, an amino acid with highly similar properties. This amino acid position is not well conserved in available vertebrate species. In addition, this alteration is predicted to be tolerated by in silico analysis. In addition, the CoDP in silico tool predicts this alteration to have a minor impact on molecular function, with a score of 0.000 (Terui H et al. J. Biomed. Sci. 2013 Apr;20:25). Since supporting evidence is limited at this time, the clinical significance of this alteration remains unclear.

Labcorp Genetics (formerly Invitae), Labcorp
Classification: Benign for Hereditary nonpolyposis colorectal neoplasms. Last evaluated: 2025-07-02. Review status: criteria provided, single submitter. Criteria: Invitae Variant Classification Sherloc (09022015). Collection method: clinical testing. Allele origin: germline.

GeneDx
Classification: Uncertain significance. Last evaluated: 2023-11-25. Review status: criteria provided, single submitter. Criteria: GeneDx Variant Classification Process June 2021. Collection method: clinical testing. Allele origin: germline. Affected: yes.
Comment: Not observed at significant frequency in large population cohorts (gnomAD); In silico analysis supports that this missense variant does not alter protein structure/function; Observed in the control group and absent in cases in a study of biliary tract cancer (PMID: 36243179); This variant is associated with the following publications: (PMID: 21437237, 36243179, 26333163)

All of Us Research Program, National Institutes of Health
Classification: Uncertain significance for Lynch syndrome. Last evaluated: 2023-08-15. Review status: criteria provided, single submitter. Criteria: ACMG Guidelines, 2015. Collection method: clinical testing. Allele origin: germline. Inheritance: Autosomal dominant inheritance. Observed: 3 variant alleles, 3 heterozygotes.
Comment: This missense variant replaces isoleucine with methionine at codon 251 of the MSH6 protein. Computational prediction tool suggests that this variant may not impact protein structure and function (internally defined REVEL score threshold <= 0.5, PMID: 27666373). Splice site prediction tools suggest that this variant may not impact RNA splicing. To our knowledge, functional studies have not been performed for this variant. This variant has not been reported in individuals affected with hereditary cancer in the literature. This variant has been identified in 1/251174 chromosomes in the general population by the Genome Aggregation Database (gnomAD). The available evidence is insufficient to determine the role of this variant in disease conclusively. Therefore, this variant is classified as a Variant of Uncertain Significance.

This study involves interpretation of variants in research participants for the purpose of population health screening. Participant phenotype was not available at the time of variant classification. Additional details can be found in publication PMID: 35346344, PMCID: PMC8962531

Color Diagnostics, LLC DBA Color Health
Classification: Uncertain significance for Hereditary cancer-predisposing syndrome. Last evaluated: 2023-05-18. Review status: criteria provided, single submitter. Criteria: ACMG Guidelines, 2015. Collection method: clinical testing. Allele origin: germline.
Comment: This missense variant replaces isoleucine with methionine at codon 251 of the MSH6 protein. Computational prediction suggests that this variant may not impact protein structure and function (internally defined REVEL score threshold <= 0.5, PMID: 27666373). To our knowledge, functional studies have not been reported for this variant. This variant has not been reported in individuals affected with MSH6-related disorders in the literature. This variant has been identified in 1/251174 chromosomes in the general population by the Genome Aggregation Database (gnomAD). The available evidence is insufficient to determine the role of this variant in disease conclusively. Therefore, this variant is classified as a Variant of Uncertain Significance.

Department of Pathology and Laboratory Medicine, Sinai Health System
Classification: Uncertain significance for Lynch syndrome 5. Last evaluated: 2020-03-16. Review status: criteria provided, single submitter. Criteria: ACMG Guidelines, 2015. Collection method: clinical testing. Allele origin: germline. Affected: yes.

Quest Diagnostics Nichols Institute San Juan Capistrano
Classification: Uncertain significance. Last evaluated: 2016-12-08. Review status: criteria provided, single submitter. Criteria: Quest Diagnostics criteria. Collection method: clinical testing. Allele origin: germline.

Literature cited by the submitters: PubMed 26333163 (cited by Quest Diagnostics Nichols Institute San Juan Capistrano).